The following is an entry in ClinVar:

NM_000463.3(UGT1A1):c.964A>G (p.Ile322Val)

Genes: UGT1A7 (UDP glucuronosyltransferase family 1 member A7; plus strand), UGT1A6 (UDP glucuronosyltransferase family 1 member A6; plus strand), UGT1A9 (UDP glucuronosyltransferase family 1 member A9; plus strand), UGT1A4 (UDP glucuronosyltransferase family 1 member A4; plus strand), UGT1A3 (UDP glucuronosyltransferase family 1 member A3; plus strand) and 5 more. Cytogenetic location: 2q37.1.
Variant type: single nucleotide variant.
Coding change: c.964A>G on transcript NM_000463.3 (MANE Select); coding-DNA position 964, A replaced by G.
Protein change: p.Ile322Val; replaces isoleucine 322 with valine.
Molecular consequence: missense variant.
Genome position (GRCh38, 1-based): chr2:233,767,133, A>G. VCF-style: chr2-233767133-A-G. GRCh37 (hg19) VCF-style: chr2-234675779-A-G.
Other names: p.Ile322Val; c.955A>G, p.Ile319Val (NM_019075.4, NM_019076.5, NM_019077.3 and 1 more transcripts); c.961A>G, p.Ile321Val (NM_001072.4); c.160A>G, p.Ile54Val (NM_205862.3); c.967A>G, p.Ile323Val (NM_019078.2, NM_007120.3, NM_019093.4); short protein forms I322V, I323V, I319V, I321V, I54V.
Identifiers: ClinVar variation 724578 (VCV000724578.20), dbSNP rs200903749, ClinGen allele CA2179931.

ClinVar aggregate classification (germline): Conflicting classifications of pathogenicity. Review status: criteria provided, conflicting classifications (1 of 4 stars). 6 submissions from 4 submitters: Uncertain significance (4); Benign (2). Last evaluated 2025-05-23.

Conditions:
Crigler-Najjar syndrome. Identifiers: Orphanet 205, MedGen C5551003, MONDO:0009044.
Gilbert syndrome. Also called: Gilbert Disease; HYPERBILIRUBINEMIA, GILBERT TYPE; Gilbert's syndrome; HYPERBILIRUBINEMIA I; HYPERBILIRUBINEMIA, ARIAS TYPE. Identifiers: MedGen C0017551, MONDO:0007745, OMIM 143500.
Lucey-Driscoll syndrome (HBLRTFN). Also called: Transient familial neonatal hyperbilirubinemia. Identifiers: Orphanet 2312, MedGen C0270210, MONDO:0009383, OMIM 237900.

Allele frequency attached by ClinVar (database versions not stated): gnomAD below 0.00001 and 0.00054; TOPMed 0.00011; gnomAD exomes 0.00092 and 0.00184; ExAC 0.00190; 1000 Genomes Project 30x 0.00453; 1000 Genomes Project 0.00479.
gnomAD v4.1: 1,419 of 1,614,112 alleles (0.088%); highest among the groups gnomAD compares: South Asian, 1.5%; 26 homozygotes.

Submissions (6):

Mayo Clinic Laboratories, Mayo Clinic
Classification: Uncertain significance. Last evaluated: 2025-05-23. Review status: criteria provided, single submitter. Criteria: ACMG Guidelines, 2015. Collection method: clinical testing. Allele origin: germline. Observed: 2 variant alleles.

Labcorp Genetics (formerly Invitae), Labcorp
Classification: Benign. Last evaluated: 2024-11-04. Review status: criteria provided, single submitter. Criteria: Invitae Variant Classification Sherloc (09022015). Collection method: clinical testing. Allele origin: germline.

ARUP Laboratories, Molecular Genetics and Genomics, ARUP Laboratories
Classification: Uncertain significance. Last evaluated: 2021-01-05. Review status: criteria provided, single submitter. Criteria: ARUP Molecular Germline Variant Investigation Process 2021. Collection method: clinical testing. Allele origin: germline.
Comment: The UGT1A1 c.964A>G; p.Ile322Val variant (rs200903749) is reported in the heterozygous state in 7 individuals with Gilbert syndrome and in the homozygous state in one individual with Gilbert syndrome; however, this variant was also identified in 6 healthy controls (Farheen 2006). This variant has also been reported in cis to the pathogenic-mild (TA)7 promoter variant in one individual with inherited unconjugated hyperbilirubinemia (Zubaida 2019). The p.Ile322Val variant is reported in ClinVar (Variation ID: 724578). It is found in the South Asian general population with an allele frequency of 1.5% (446/30616 alleles, including 6 homozygotes) in the Genome Aggregation Database. The isoleucine at codon 322 is moderately conserved, but computational analyses are uncertain whether this variant is neutral or deleterious (REVEL: 0.35). Based on available information, the clinical significance of this variant is uncertain at this time. REFERENCES Farheen S et al. Gilbert's syndrome: High frequency of the (TA)7 TAA allele in India and its interaction with a novel CAT insertion in promoter of the gene for bilirubin UDP-glucuronosyltransferase 1 gene. World J Gastroenterol. 2006 Apr 14;12(14):2269-75. Zubaida B et al. Spectrum of UGT1A1 variants in Pakistani children affected with inherited unconjugated hyperbilirubinemias. Clin Biochem. 2019 Jul;69:30-35.

Illumina Laboratory Services, Illumina
Classification: Uncertain significance for Lucey-Driscoll syndrome. Last evaluated: 2017-04-27. Review status: criteria provided, single submitter. Criteria: ICSL Variant Classification Criteria 13 December 2019. Collection method: clinical testing. Allele origin: germline.

Illumina Laboratory Services, Illumina
Classification: Benign for Crigler-Najjar syndrome. Last evaluated: 2017-04-27. Review status: criteria provided, single submitter. Criteria: ICSL Variant Classification Criteria 13 December 2019. Collection method: clinical testing. Allele origin: germline.
Comment: This variant was observed as part of a predisposition screen in an ostensibly healthy population. A literature search was performed for the gene, cDNA change, and amino acid change (where applicable). No publications were found based on this search. Allele frequency data from public databases was too high to be consistent with this variant causing disease. Therefore, this variant is classified as benign.

Illumina Laboratory Services, Illumina
Classification: Uncertain significance for Gilbert syndrome. Last evaluated: 2017-04-27. Review status: criteria provided, single submitter. Criteria: ICSL Variant Classification Criteria 13 December 2019. Collection method: clinical testing. Allele origin: germline.
Comment: This variant was observed as part of a predisposition screen in an ostensibly healthy population. A literature search was performed for the gene, cDNA change, and amino acid change (where applicable). Publications were found based on this search. However, the evidence from the literature, in combination with allele frequency data from public databases where available, was not sufficient to rule this variant in or out of causing disease. Therefore, this variant is classified as a variant of unknown significance.

Literature cited by the submitters: PubMed 38480019 (cited by Mayo Clinic Laboratories, Mayo Clinic); PubMed 22983686 (cited by Illumina Laboratory Services, Illumina); PubMed 23875061 (cited by Illumina Laboratory Services, Illumina); PubMed 16504606 (cited by Illumina Laboratory Services, Illumina); PubMed 23403257 (cited by Illumina Laboratory Services, Illumina); PubMed 16610035 (cited by Illumina Laboratory Services, Illumina); PubMed 19325249 (cited by Illumina Laboratory Services, Illumina).